The following is an entry in ClinVar:

ClinVar aggregate classification (germline): Pathogenic. Review status: criteria provided, multiple submitters, no conflicts (2 of 4 stars). 3 submissions from 3 submitters: Pathogenic (3). Last evaluated 2024-11-26.

Conditions:
Hereditary cancer-predisposing syndrome. Also called: Neoplastic Syndromes, Hereditary; Tumor predisposition; Hereditary Cancer Syndrome; Hereditary neoplastic syndrome. Identifiers: Orphanet 140162, MedGen C0027672, MeSH D009386, MONDO:0015356.
Familial adenomatous polyposis 1 (FAP1). Also called: FAMILIAL ADENOMATOUS POLYPOSIS 1, ATTENUATED; POLYPOSIS, ADENOMATOUS INTESTINAL. Identifiers: MedGen C2713442, MONDO:0021056, OMIM 175100. Disease mechanism: loss of function.

Submissions (3):

Ambry Genetics
Classification: Pathogenic for Hereditary cancer-predisposing syndrome. Last evaluated: 2024-11-26. Review status: criteria provided, single submitter. Criteria: Ambry Variant Classification Scheme 2023. Collection method: clinical testing. Allele origin: germline.
Comment: The p.S1189* pathogenic mutation (also known as c.3566C>A), located in coding exon 15 of the APC gene, results from a C to A substitution at nucleotide position 3566. This changes the amino acid from a serine to a stop codon within coding exon 15. This alteration occurs at the 3' terminus of theAPC gene, is not expected to trigger nonsense-mediated mRNA decay, and impacts the last 58% of the protein. However, premature stop codons are typically deleterious in nature and a significant portion of the protein is affected (Ambry internal data). This variant was reported in individual(s) with features consistent with familial adenomatous polyposis (Ambry internal data). This variant is considered to be rare based on population cohorts in the Genome Aggregation Database (gnomAD). Based on the supporting evidence, this variant is interpreted as a disease-causing mutation.

Labcorp Genetics (formerly Invitae), Labcorp
Classification: Pathogenic for Familial adenomatous polyposis 1. Last evaluated: 2023-07-28. Review status: criteria provided, single submitter. Criteria: Invitae Variant Classification Sherloc (09022015). Collection method: clinical testing. Allele origin: germline.
Comment: This sequence change creates a premature translational stop signal (p.Ser1189*) in the APC gene. While this is not anticipated to result in nonsense mediated decay, it is expected to disrupt the last 1655 amino acid(s) of the APC protein. This variant is not present in population databases (gnomAD no frequency). This premature translational stop signal has been observed in individual(s) with colon cancer (PMID: 29406563). ClinVar contains an entry for this variant (Variation ID: 1732741). A different truncation (p.Tyr2645Lysfs*14) that lies downstream of this variant has been determined to be pathogenic (PMID: 9824584, 1316610, 27081525, 8381579, 22135120, Invitae). This suggests that deletion of this region of the APC protein is causative of disease. For these reasons, this variant has been classified as Pathogenic. This variant is expected to disrupt the EB1 and HDLG binding sites, which mediate interactions with the cytoskeleton (PMID: 15311282, 17293347). While functional studies have not been performed to directly test the effect on APC protein function, this suggests that disruption of the C-terminal portion of the protein is functionally important.

Myriad Genetics, Inc.
Classification: Pathogenic for Familial adenomatous polyposis 1. Last evaluated: 2023-05-09. Review status: criteria provided, single submitter. Criteria: Myriad Autosomal Dominant, Autosomal Recessive and X-Linked Classification Criteria (2023). Collection method: clinical testing. Allele origin: unknown.
Comment: This variant is considered pathogenic. This variant creates a termination codon and is predicted to result in premature protein truncation.

Literature cited by the submitters: PubMed 29406563 (cited by Labcorp Genetics (formerly Invitae), Labcorp); PubMed 9824584 (cited by Labcorp Genetics (formerly Invitae), Labcorp); PubMed 1316610 (cited by Labcorp Genetics (formerly Invitae), Labcorp); PubMed 27081525 (cited by Labcorp Genetics (formerly Invitae), Labcorp); PubMed 8381579 (cited by Labcorp Genetics (formerly Invitae), Labcorp); PubMed 22135120 (cited by Labcorp Genetics (formerly Invitae), Labcorp); PubMed 15311282 (cited by Labcorp Genetics (formerly Invitae), Labcorp); PubMed 17293347 (cited by Labcorp Genetics (formerly Invitae), Labcorp).

NM_000038.6(APC):c.3566C>A (p.Ser1189Ter)

Gene: APC (APC regulator of Wnt signaling pathway; plus strand). Cytogenetic location: 5q22.2.
Variant type: single nucleotide variant.
Coding change: c.3566C>A on transcript NM_000038.6 (MANE Select); coding-DNA position 3566, C replaced by A.
Protein change: p.Ser1189Ter; replaces serine 1189 with a stop codon.
Molecular consequence: nonsense.
Genome position (GRCh38, 1-based): chr5:112,839,160, C>A. VCF-style: chr5-112839160-C-A. GRCh37 (hg19) VCF-style: chr5-112174857-C-A.
Other names: c.3263C>A, p.Ser1088Ter (NM_001407458.1, NM_001407459.1, NM_001407460.1 and 1 more transcripts); c.3179C>A, p.Ser1060Ter (NM_001407467.1, NM_001407469.1); c.2414C>A, p.Ser805Ter (NM_001407472.1, NM_001407471.1); c.2717C>A, p.Ser906Ter (NM_001407470.1, NM_001354906.2); c.3566C>A, p.Ser1189Ter (NM_001127510.3, NM_001354895.2, NM_001407450.1); c.3512C>A, p.Ser1171Ter (NM_001127511.3); c.3620C>A, p.Ser1207Ter (NM_001354896.2, NM_001407447.1, NM_001407448.1 and 1 more transcripts); c.3596C>A, p.Ser1199Ter (NM_001354897.2); and 11 more; short protein forms S1106*, S1189*, S1207*, S805*, S1029*, S1060*, S1098*, S1130*.
Identifiers: ClinVar variation 1732741 (VCV001732741.8), dbSNP rs1765458794, ClinGen allele CA16029166.
Genomic context (GRCh38, chr5:112,839,160, plus strand): 5'-AGAAACGTCATGTGGATCAGCCTATTGATTATAGTTTAAAATATGCCACAGATATTCCTT[C>A]ATCACAGAAACAGTCATTTTCATTCTCAAAGAGTTCATCTGGACAAAGCAGTAAAACCGA-3'